The following is an entry in ClinVar:

NM_032242.4(PLXNA1):c.2560G>A (p.Ala854Thr)

Gene: PLXNA1 (plexin A1; plus strand). Cytogenetic location: 3q21.3.
Variant type: single nucleotide variant.
Coding change: c.2560G>A on transcript NM_032242.4 (MANE Select); coding-DNA position 2560, G replaced by A.
Protein change: p.Ala854Thr; replaces alanine 854 with threonine.
Molecular consequence: missense variant.
Genome position (GRCh38, 1-based): chr3:127,014,331, G>A. VCF-style: chr3-127014331-G-A. GRCh37 (hg19) VCF-style: chr3-126733174-G-A.
Other names: short protein forms A854T.
Identifiers: ClinVar variation 3355688 (VCV003355688.2).

ClinVar aggregate classification (germline): Uncertain significance (1 of 4 stars; one submission).

Conditions:
PLXNA1-related disorder. Also called: PLXNA1-related condition.

gnomAD v4.1: 77 of 1,596,650 alleles (0.0048%); highest among the groups gnomAD compares: South Asian, 0.022%; no homozygotes.

Submission:

PreventionGenetics, part of Exact Sciences
Classification: Uncertain significance for PLXNA1-related condition. Last evaluated: 2026-07-22. Review status: criteria provided, single submitter. Criteria: ACMG Guidelines, 2015. Collection method: clinical testing. Allele origin: germline.
Comment: The PLXNA1 c.2560G>A variant is predicted to result in the amino acid substitution p.Ala854Thr. This variant has been reported in a patient with Kallmann syndrome and functional studies showed that this variant leads to a decrease in the amount of protein and cell surface targeting (Marcos et al. 2017. PubMed ID: 28334861). This variant is reported in 0.017% of alleles in individuals of South Asian descent in gnomAD. At this time, the clinical significance of this variant is uncertain due to the absence of conclusive functional and genetic evidence.